The following is an entry in ClinVar:

NM_001130144.3(LTBP3):c.1196C>T (p.Pro399Leu)

Gene: LTBP3 (latent transforming growth factor beta binding protein 3; minus strand). Cytogenetic location: 11q13.1.
Variant type: single nucleotide variant.
Coding change: c.1196C>T on transcript NM_001130144.3 (MANE Select); coding-DNA position 1196, C replaced by T.
Protein change: p.Pro399Leu; replaces proline 399 with leucine.
Molecular consequence: missense variant.
Genome position (GRCh38, 1-based): chr11:65,552,397, G>A on the plus strand (C>T on the coding strand, the complement: LTBP3 is on the minus strand). VCF-style: chr11-65552397-G-A. GRCh37 (hg19) VCF-style: chr11-65319868-G-A.
Other names: c.845C>T, p.Pro282Leu (NM_001164266.1); c.1196C>T, p.Pro399Leu (NM_021070.4); short protein forms P399L, P282L.
Identifiers: ClinVar variation 570825 (VCV000570825.11), dbSNP rs764981765, ClinGen allele CA6101027.

ClinVar aggregate classification (germline): Uncertain significance. Review status: criteria provided, multiple submitters, no conflicts (2 of 4 stars). 2 submissions from 2 submitters: Uncertain significance (2). Last evaluated 2025-06-18.

Conditions:
Inborn genetic diseases. Identifiers: MedGen C0950123, MeSH D030342.
Brachyolmia-amelogenesis imperfecta syndrome. Also called: PLATYSPONDYLY WITH AMELOGENESIS IMPERFECTA; Tooth agenesis, selective, 6; Dental anomalies and short stature. Identifiers: Orphanet 2899, MedGen C1832594, MONDO:0011018, OMIM 601216. Disease mechanism: loss of function.

Allele frequency attached by ClinVar (database versions not stated): ExAC 0.00001; gnomAD exomes 0.00001 and 0.00002; TOPMed 0.00001.
gnomAD v4.1: 29 of 1,613,406 alleles (0.0018%); highest among the groups gnomAD compares: South Asian, 0.0033%; no homozygotes.

Submissions (2):

Labcorp Genetics (formerly Invitae), Labcorp
Classification: Uncertain significance for Brachyolmia-amelogenesis imperfecta syndrome. Last evaluated: 2025-06-18. Review status: criteria provided, single submitter. Criteria: Invitae Variant Classification Sherloc (09022015). Collection method: clinical testing. Allele origin: germline.
Comment: This sequence change replaces proline, which is neutral and non-polar, with leucine, which is neutral and non-polar, at codon 399 of the LTBP3 protein (p.Pro399Leu). This variant is present in population databases (rs764981765, gnomAD 0.006%). This variant has not been reported in the literature in individuals affected with LTBP3-related conditions. ClinVar contains an entry for this variant (Variation ID: 570825). An algorithm developed to predict the effect of missense changes on protein structure and function (PolyPhen-2) suggests that this variant is likely to be disruptive. In summary, the available evidence is currently insufficient to determine the role of this variant in disease. Therefore, it has been classified as a Variant of Uncertain Significance.

Ambry Genetics
Classification: Uncertain significance for Inborn genetic diseases. Last evaluated: 2024-03-20. Review status: criteria provided, single submitter. Criteria: Ambry Variant Classification Scheme 2023. Collection method: clinical testing. Allele origin: germline.